The following is an entry in ClinVar:

NC_000016.9:g.(?_23605874)_(23640542_?)del

Genes: PALB2 (partner and localizer of BRCA2; minus strand), NDUFAB1 (NADH:ubiquinone oxidoreductase subunit AB1; minus strand). Cytogenetic location: 16p12.2.
Variant type: Deletion.
Identifiers: ClinVar variation 3243357 (VCV003243357.1).

ClinVar aggregate classification (germline): Pathogenic (1 of 4 stars; one submission).

Conditions:
Familial cancer of breast. Also called: BREAST CANCER, FAMILIAL; Hereditary breast cancer; hereditary breast carcinoma. Identifiers: Orphanet 227535, MedGen C0346153, MONDO:0016419, OMIM 114480. Disease mechanism: loss of function.

Submission:

Labcorp Genetics (formerly Invitae), Labcorp
Classification: Pathogenic for Familial cancer of breast. Last evaluated: 2019-03-13. Review status: criteria provided, single submitter. Criteria: Invitae Variant Classification Sherloc (09022015). Collection method: clinical testing. Allele origin: unknown.
Comment: For these reasons, this variant has been classified as Pathogenic. Loss-of-function variants in PALB2 are known to be pathogenic (PMID: 17200668, 24136930, 25099575). This deletion eliminates the WD40 functional domain, which is encoded by exons 6 to 13 of the PALB2 mRNA. The WD40 domain is required for normal PALB2 protein function (PMID: 16793542, 17200671,¬†19423707), and loss-of-function variants that disrupt this domain have been classified as pathogenic (Invitae). This variant has not been reported in the literature in individuals with PALB2-related conditions. This variant is a complex sequence change that deletes the genomic region encompassing exons 7-13 and part of exon 6¬†of the PALB2 gene¬†and inserts 240 nucleotides (c.2569_*9102delins240). It is expected to disrupt RNA splicing and likely results in an absent or disrupted protein product.

Literature cited by the submitters: PubMed 17200668; PubMed 24136930; PubMed 25099575; PubMed 16793542; PubMed 17200671.